The following is an entry in ClinVar:

ClinVar aggregate classification (germline): Uncertain significance. Review status: criteria provided, multiple submitters, no conflicts (2 of 4 stars). 2 submissions from 2 submitters: Uncertain significance (2). Last evaluated 2025-09-16.

Conditions:
Inborn genetic diseases. Identifiers: MedGen C0950123, MeSH D030342.

gnomAD v4.1: 25 of 1,611,730 alleles (0.0016%); highest among the groups gnomAD compares: Admixed American, 0.0067%; no homozygotes.

Submissions (2):

Women's Health and Genetics/Laboratory Corporation of America, LabCorp
Classification: Uncertain significance. Last evaluated: 2025-09-16. Review status: criteria provided, single submitter. Criteria: LabCorp Variant Classification Summary - May 2015. Collection method: clinical testing. Allele origin: germline.
Comment: Variant summary: KDM6B c.916C>T (p.Arg306Trp) results in a non-conservative amino acid change in the encoded protein sequence. Algorithms developed to predict the effect of missense changes on protein structure and function are either unavailable or do not agree on the potential impact of this missense change. The variant allele was found at a frequency of 2e-05 in 248280 control chromosomes. The available data on variant occurrences in the general population are insufficient to allow any conclusion about variant significance. To our knowledge, no occurrence of c.916C>T in individuals affected with KDM6B-related conditions and no experimental evidence demonstrating its impact on protein function have been reported. ClinVar contains an entry for this variant (Variation ID: 3533186). Based on the evidence outlined above, the variant was classified as uncertain significance.

Ambry Genetics
Classification: Uncertain significance for Inborn genetic diseases. Last evaluated: 2024-08-04. Review status: criteria provided, single submitter. Criteria: Ambry Variant Classification Scheme 2023. Collection method: clinical testing. Allele origin: germline.

NM_001348716.2(KDM6B):c.916C>T (p.Arg306Trp)

Gene: KDM6B (lysine demethylase 6B; plus strand). Cytogenetic location: 17p13.1.
Variant type: single nucleotide variant.
Coding change: c.916C>T on transcript NM_001348716.2 (MANE Select); coding-DNA position 916, C replaced by T.
Protein change: p.Arg306Trp; replaces arginine 306 with tryptophan.
Molecular consequence: missense variant.
Genome position (GRCh38, 1-based): chr17:7,847,111, C>T. VCF-style: chr17-7847111-C-T. GRCh37 (hg19) VCF-style: chr17-7750429-C-T.
Other names: c.916C>T, p.Arg306Trp (NM_001080424.2); short protein forms R306W.
Identifiers: ClinVar variation 3533186 (VCV003533186.2).